The following is an entry in ClinVar:

ClinVar aggregate classification (germline): Uncertain significance. Review status: criteria provided, multiple submitters, no conflicts (2 of 4 stars). 4 submissions from 4 submitters: Uncertain significance (4). Last evaluated 2025-11-24.

Conditions:
Left ventricular noncompaction 1 (LVNC1). Also called: LEFT VENTRICULAR NONCOMPACTION 1 WITH OR WITHOUT CONGENITAL HEART DEFECTS. Identifiers: Orphanet 54260, MedGen C1858725, MONDO:0011403, OMIM 604169.

Allele frequency attached by ClinVar (database versions not stated): ESP Exome Variant Server 0.00015; 1000 Genomes Project 30x 0.00016; TOPMed 0.00019; 1000 Genomes Project 0.00020; gnomAD exomes 0.00020 and 0.00021; gnomAD 0.00023 and 0.00025; ExAC 0.00026.
gnomAD v4.1: 341 of 1,614,176 alleles (0.021%); highest among the groups gnomAD compares: Non-Finnish European, 0.027%; 1 homozygote.

Submissions (4):

Labcorp Genetics (formerly Invitae), Labcorp
Classification: Uncertain significance for Left ventricular noncompaction 1. Last evaluated: 2025-11-24. Review status: criteria provided, single submitter. Criteria: Invitae Variant Classification Sherloc (09022015). Collection method: clinical testing. Allele origin: germline.
Comment: This sequence change replaces glutamine, which is neutral and polar, with glutamic acid, which is acidic and polar, at codon 106 of the DTNA protein (p.Gln106Glu). This variant is present in population databases (rs140768365, gnomAD 0.04%), and has an allele count higher than expected for a pathogenic variant. This variant has not been reported in the literature in individuals affected with DTNA-related conditions. ClinVar contains an entry for this variant (Variation ID: 178033). Invitae Evidence Modeling of protein sequence and biophysical properties (such as structural, functional, and spatial information, amino acid conservation, physicochemical variation, residue mobility, and thermodynamic stability) indicates that this missense variant is not expected to disrupt DTNA protein function with a negative predictive value of 80%. In summary, the available evidence is currently insufficient to determine the role of this variant in disease. Therefore, it has been classified as a Variant of Uncertain Significance.

Ambry Genetics
Classification: Uncertain significance. Last evaluated: 2025-08-26. Review status: criteria provided, single submitter. Criteria: Ambry Variant Classification Scheme 2023. Collection method: clinical testing. Allele origin: germline.

Petrovsky National Research Centre of Surgery, The Federal Agency for Scientific Organizations
Classification: Uncertain significance. Last evaluated: 2020-11-18. Review status: criteria provided, single submitter. Criteria: ACMG Guidelines, 2015. Collection method: clinical testing. Allele origin: unknown. Inheritance: Autosomal dominant inheritance. Affected: yes. Observed: 1 heterozygote.
Comment: The p.Q106E genetic variant is present in gnomAD database, its frequency is 2.051e-4. Online in silico tools predict genetic variant p.Q106E to be probably pathogenic. No functional studies are available to date; family DNA samples were likewise unavailable for segregation analysis, therefore, we could only classify the p.Q106E genetic variant as a variant of uncertain clinical significance.

Laboratory for Molecular Medicine, Mass General Brigham Personalized Medicine
Classification: Uncertain significance. Last evaluated: 2014-07-10. Review status: criteria provided, single submitter. Criteria: LMM Criteria. Collection method: clinical testing. Allele origin: germline. Observed: 1 variant allele.
Comment: The Gln106Glu variant in DTNA has not been previously reported in individuals wi th cardiomyopathy, but has been identified in 2/8600 European American chromosom es by the NHLBI Exome Sequencing Project (dbS NP rs140768365). Computational prediction tools do not provide strong support fo r or against an impact to the protein. In summary, the clinical significance of the Gln106Glu variant is uncertain.

NM_001386795.1(DTNA):c.316C>G (p.Gln106Glu)

Gene: DTNA (dystrobrevin alpha; plus strand). Cytogenetic location: 18q12.1.
Variant type: single nucleotide variant.
Coding change: c.316C>G on transcript NM_001386795.1 (MANE Select); coding-DNA position 316, C replaced by G.
Protein change: p.Gln106Glu; replaces glutamine 106 with glutamic acid.
Molecular consequence: missense variant.
Genome position (GRCh38, 1-based): chr18:34,794,204, C>G. VCF-style: chr18-34794204-C-G. GRCh37 (hg19) VCF-style: chr18-32374168-C-G.
Other names: c.316C>G, p.Gln106Glu (NM_001128175.2, NM_001198938.2, NM_001198939.2 and 35 more transcripts); short protein forms Q106E.
Identifiers: ClinVar variation 178033 (VCV000178033.16), dbSNP rs140768365, ClinGen allele CA181232.